The following is an entry in ClinVar:

NM_006514.4(SCN10A):c.2313C>T (p.Pro771=)

Gene: SCN10A (sodium voltage-gated channel alpha subunit 10; minus strand). Cytogenetic location: 3p22.2.
Variant type: single nucleotide variant.
Coding change: c.2313C>T on transcript NM_006514.4 (MANE Select); coding-DNA position 2313, C replaced by T.
Protein change: p.Pro771=; no amino-acid change (proline 771 retained).
Molecular consequence: synonymous variant.
Genome position (GRCh38, 1-based): chr3:38,728,869, G>A on the plus strand (C>T on the coding strand, the complement: SCN10A is on the minus strand). VCF-style: chr3-38728869-G-A. GRCh37 (hg19) VCF-style: chr3-38770360-G-A.
Other names: c.2313C>T, p.Pro771= (NM_001293306.2); c.2019C>T, p.Pro673= (NM_001293307.2).
Identifiers: ClinVar variation 1711569 (VCV001711569.30), dbSNP rs980535305, ClinGen allele CA72962160.

ClinVar aggregate classification (germline): Likely benign (1 of 4 stars; one submission).

gnomAD v4.1: 1 of 1,612,354 alleles (0.000062%); highest among the groups gnomAD compares: Non-Finnish European, 0.000085%; no homozygotes.

Submission:

CeGaT Center for Human Genetics Tuebingen
Classification: Likely benign. Last evaluated: 2022-08-01. Review status: criteria provided, single submitter. Criteria: CeGaT Center For Human Genetics Tuebingen Variant Classification Criteria Version 2. Collection method: clinical testing. Allele origin: germline. Affected: yes. Observed: 1 variant allele.
Comment: SCN10A: PM2:Supporting, BP4, BP7